The following is an entry in ClinVar:

NM_022124.6(CDH23):c.208T>G (p.Ser70Ala)

Genes: CDH23 (cadherin related 23; plus strand), CDH23-AS1 (CDH23 antisense RNA 1; minus strand). Cytogenetic location: 10q22.1.
Variant type: single nucleotide variant.
Coding change: c.208T>G on transcript NM_022124.6 (MANE Select); coding-DNA position 208, T replaced by G.
Protein change: p.Ser70Ala; replaces serine 70 with alanine.
Molecular consequence: missense variant.
Genome position (GRCh38, 1-based): chr10:71,510,144, T>G. VCF-style: chr10-71510144-T-G. GRCh37 (hg19) VCF-style: chr10-73269901-T-G.
Other names: c.208T>G, p.Ser70Ala (NM_001171930.2, NM_001171931.2, NM_001171932.2 and 1 more transcripts); short protein forms S70A.
Identifiers: ClinVar variation 957103 (VCV000957103.8), dbSNP rs1853877616, ClinGen allele CA377114244.

ClinVar aggregate classification (germline): Uncertain significance. Review status: criteria provided, single submitter (1 of 4 stars). 2 submissions from 2 submitters: Uncertain significance (1). 1 of the submissions does not count toward it. Last evaluated 2021-09-02.

Conditions:
Usher syndrome type 1 (USH1). Also called: RETINITIS PIGMENTOSA AND CONGENITAL DEAFNESS. Identifiers: Orphanet 231169, Orphanet 886, MedGen C1568247, MONDO:0010168, OMIM 276900.

Allele frequency attached by ClinVar (database versions not stated): gnomAD 0.00001; gnomAD exomes 0.00001; TOPMed 0.00001.
gnomAD v4.1: 4 of 1,613,900 alleles (0.00025%); highest among the groups gnomAD compares: African/African-American, 0.0013%; no homozygotes.

Submissions (2):

Labcorp Genetics (formerly Invitae), Labcorp
Classification: Uncertain significance. Last evaluated: 2021-09-02. Review status: criteria provided, single submitter. Criteria: Invitae Variant Classification Sherloc (09022015). Collection method: clinical testing. Allele origin: germline.
Comment: This sequence change replaces serine with alanine at codon 70 of the CDH23 protein (p.Ser70Ala). The serine residue is moderately conserved and there is a moderate physicochemical difference between serine and alanine. This variant is not present in population databases (ExAC no frequency). This variant has not been reported in the literature in individuals affected with CDH23-related conditions. Algorithms developed to predict the effect of missense changes on protein structure and function are either unavailable or do not agree on the potential impact of this missense change (SIFT: "Tolerated"; PolyPhen-2: "Not Available"; Align-GVGD: "Class C0"). In summary, the available evidence is currently insufficient to determine the role of this variant in disease. Therefore, it has been classified as a Variant of Uncertain Significance.

Natera, Inc.
Classification: Uncertain significance for Usher syndrome type 1. Last evaluated: 2020-07-31. Review status: no assertion criteria provided. Collection method: clinical testing. Allele origin: germline. Not counted in ClinVar's aggregate classification.